The following is an entry in ClinVar:

ClinVar aggregate classification (germline): Likely benign. Review status: criteria provided, multiple submitters, no conflicts (2 of 4 stars). 3 submissions from 3 submitters: Likely benign (3). Last evaluated 2026-01-27.

Conditions:
Long QT syndrome (LQTS). Identifiers: MedGen C0023976, MeSH D008133, MONDO:0002442. Disease mechanism: loss of function. Inheritance: Various modes of inheritance.

Allele frequency attached by ClinVar (database versions not stated): TOPMed below 0.00001; gnomAD 0.00001; gnomAD exomes 0.00001 and 0.00002; ExAC 0.00003.
gnomAD v4.1: 15 of 1,518,578 alleles (0.00099%); highest among the groups gnomAD compares: Middle Eastern, 0.19%; no homozygotes.

Submissions (3):

Labcorp Genetics (formerly Invitae), Labcorp
Classification: Likely benign for Long QT syndrome. Last evaluated: 2026-01-27. Review status: criteria provided, single submitter. Criteria: Invitae Variant Classification Sherloc (09022015). Collection method: clinical testing. Allele origin: germline.

GeneDx
Classification: Likely benign. Last evaluated: 2017-06-28. Review status: criteria provided, single submitter. Criteria: GeneDx Variant Classification (06012015). Collection method: clinical testing. Allele origin: germline. Affected: yes.
Comment: This variant is considered likely benign or benign based on one or more of the following criteria: it is a conservative change, it occurs at a poorly conserved position in the protein, it is predicted to be benign by multiple in silico algorithms, and/or has population frequency not consistent with disease.

Breakthrough Genomics
Classification: Likely benign. Review status: criteria provided, single submitter. Criteria: ACMG Guidelines, 2015. Collection method: not provided. Allele origin: germline. Inheritance: Autosomal dominant inheritance. Affected: yes.

NM_000719.7(CACNA1C):c.1114-417C>T

Gene: CACNA1C (calcium voltage-gated channel subunit alpha1 C; plus strand). Cytogenetic location: 12p13.33.
Variant type: single nucleotide variant.
Coding change: c.1114-417C>T on transcript NM_000719.7 (MANE Select); 417 bases into the intron before coding-DNA position 1114, C replaced by T.
Molecular consequence: intron variant.
Genome position (GRCh38, 1-based): chr12:2,504,425, C>T. VCF-style: chr12-2504425-C-T. GRCh37 (hg19) VCF-style: chr12-2613591-C-T.
Other names: c.1114-11C>T (NM_001167624.3, NM_001167623.2, NM_001167625.2 and 1 more transcripts); c.1114-417C>T (NM_199460.4, NM_001129827.2, NM_001129832.2 and 14 more transcripts); c.1105-417C>T (NM_001129844.2).
Identifiers: ClinVar variation 517095 (VCV000517095.10), dbSNP rs746270394, ClinGen allele CA6388624.